The following is an entry in ClinVar:

ClinVar aggregate classification (germline): Likely benign (1 of 4 stars; one submission).

Allele frequency attached by ClinVar (database versions not stated): 1000 Genomes Project 30x 0.00078.
gnomAD v4.1: 412 of 979,426 alleles (0.042%); highest among the groups gnomAD compares: South Asian, 0.48%; 2 homozygotes.

Submission:

CeGaT Center for Human Genetics Tuebingen
Classification: Likely benign. Last evaluated: 2024-06-01. Review status: criteria provided, single submitter. Criteria: CeGaT Center For Human Genetics Tuebingen Variant Classification Criteria Version 2. Collection method: clinical testing. Allele origin: germline. Affected: yes. Observed: 3 variant alleles.
Comment: ZNRF3: BP4, BP7

NM_001206998.2(ZNRF3):c.69C>G (p.Pro23=)

Gene: ZNRF3 (zinc and ring finger 3; plus strand). Cytogenetic location: 22q12.1.
Variant type: single nucleotide variant.
Coding change: c.69C>G on transcript NM_001206998.2 (MANE Select); coding-DNA position 69, C replaced by G.
Protein change: p.Pro23=; no amino-acid change (proline 23 retained).
Molecular consequence: synonymous variant.
Genome position (GRCh38, 1-based): chr22:28,883,835, C>G. VCF-style: chr22-28883835-C-G. GRCh37 (hg19) VCF-style: chr22-29279823-C-G.
Identifiers: ClinVar variation 2653039 (VCV002653039.24), dbSNP rs1025350681, ClinGen allele CA323477448.